The following is an entry in ClinVar:

NM_003995.4(NPR2):c.2455C>T (p.Arg819Cys)

Gene: NPR2 (natriuretic peptide receptor 2; plus strand). Cytogenetic location: 9p13.3.
Variant type: single nucleotide variant.
Coding change: c.2455C>T on transcript NM_003995.4 (MANE Select); coding-DNA position 2455, C replaced by T.
Protein change: p.Arg819Cys; replaces arginine 819 with cysteine.
Molecular consequence: missense variant.
Genome position (GRCh38, 1-based): chr9:35,806,474, C>T. VCF-style: chr9-35806474-C-T. GRCh37 (hg19) VCF-style: chr9-35806471-C-T.
Other names: c.2464C>T, p.Arg822Cys (NM_001378923.1); c.2455C>T (NM_003995.3); short protein forms R819C, R822C.
Identifiers: ClinVar variation 208356 (VCV000208356.15), dbSNP rs766256429, ClinGen allele CA204426.

ClinVar aggregate classification (germline): Conflicting classifications of pathogenicity. Review status: criteria provided, conflicting classifications (1 of 4 stars). 6 submissions from 6 submitters: Likely pathogenic (3); Uncertain significance (2). 1 of the submissions does not count toward it. Last evaluated 2026-06-03.

Conditions:
Inborn genetic diseases. Identifiers: MedGen C0950123, MeSH D030342.
Short stature with nonspecific skeletal abnormalities. Identifiers: MedGen C4225399, MONDO:0975810.
Tall stature-scoliosis-macrodactyly of the great toes syndrome. Also called: Epiphyseal chondrodysplasia, miura type. Identifiers: Orphanet 329191, MedGen C4014690, MONDO:0014401, OMIM 615923.
Acromesomelic dysplasia 1, Maroteaux type (AMD1). Also called: ST. HELENA DYSPLASIA; ACROMESOMELIC DYSPLASIA 1. Identifiers: Orphanet 40, MedGen C1864356, MONDO:0011275, OMIM 602875.

Allele frequency attached by ClinVar (database versions not stated): gnomAD 0.00001; TOPMed 0.00003.
gnomAD v4.1: 13 of 1,613,996 alleles (0.00081%); highest among the groups gnomAD compares: Admixed American, 0.005%; no homozygotes.

Submissions (6):

Ambry Genetics
Classification: Likely pathogenic for Inborn genetic diseases. Last evaluated: 2026-06-03. Review status: criteria provided, single submitter. Criteria: Ambry Variant Classification Scheme 2023. Collection method: clinical testing. Allele origin: germline.
Comment: The c.2455C>T (p.R819C) alteration is located in exon 16 (coding exon 16) of the NPR2 gene. This alteration results from a C to T substitution at nucleotide position 2455, causing the arginine (R) at amino acid position 819 to be replaced by a cysteine (C). for autosomal dominant and autosomal recessive NPR2-related short stature disorder; however, its clinical significance for autosomal dominant NPR2-related tall stature, scoliosis & macrodactyly of great toes is uncertain. Based on data from gnomAD, the T allele has an overall frequency of 0.002% (5/251446) total alleles studied. The highest observed frequency was 0.006% (2/34590) of Latino alleles. This variant was reported as heterozygous in individual(s) with features consistent with NPR2-related short stature disorder; in at least one individual, it was determined to be de novo variant (Vasques, 2013; Hisado-Oliva, 2015; Ha, 2021). This amino acid position is highly conserved in available vertebrate species. In an assay testing NPR2 function, this variant showed a functionally abnormal result (Vasques, 2013). This alteration is predicted to be deleterious by in silico analysis. Based on the available evidence, this alteration is classified as likely pathogenic.

Labcorp Genetics (formerly Invitae), Labcorp
Classification: Uncertain significance for Tall stature-scoliosis-macrodactyly of the great toes syndrome; Acromesomelic dysplasia 1, Maroteaux type. Last evaluated: 2025-05-07. Review status: criteria provided, single submitter. Criteria: Invitae Variant Classification Sherloc (09022015). Collection method: clinical testing. Allele origin: germline.
Comment: This sequence change replaces arginine, which is basic and polar, with cysteine, which is neutral and slightly polar, at codon 819 of the NPR2 protein (p.Arg819Cys). This variant is present in population databases (rs766256429, gnomAD 0.006%). This missense change has been observed in individual(s) with disproportionate short stature (PMID: 24001744, 26075495, 33713577). ClinVar contains an entry for this variant (Variation ID: 208356). Invitae Evidence Modeling of protein sequence and biophysical properties (such as structural, functional, and spatial information, amino acid conservation, physicochemical variation, residue mobility, and thermodynamic stability) indicates that this missense variant is expected to disrupt NPR2 protein function with a positive predictive value of 80%. Experimental studies have shown that this missense change affects NPR2 function (PMID: 26075495). In summary, the available evidence is currently insufficient to determine the role of this variant in disease. Therefore, it has been classified as a Variant of Uncertain Significance.

3billion
Classification: Likely pathogenic for Acromesomelic dysplasia 1, Maroteaux type. Last evaluated: 2023-12-19. Review status: criteria provided, single submitter. Criteria: ACMG Guidelines, 2015. Collection method: clinical testing. Allele origin: germline. Affected: yes.
Comment: The variant is observed at an extremely low frequency in the gnomAD v2.1.1 dataset (total allele frequency: 0.002%). Predicted Consequence/Location: Missense variant Functional studies provide moderate evidence of the variant having a damaging effect on the gene or gene product (PMID: 24001744). In silico tool predictions suggest damaging effect of the variant on gene or gene product [REVEL: 0.72 (>=0.6, sensitivity 0.68 and specificity 0.92)]. Same nucleotide change resulting in same amino acid change has been previously reported to be associated with NPR2 related disorder (ClinVar ID: VCV000208356 /PMID: 24001744). Therefore, this variant is classified as Likely pathogenic according to the recommendation of ACMG/AMP guideline.

GeneDx
Classification: Likely pathogenic. Last evaluated: 2023-12-08. Review status: criteria provided, single submitter. Criteria: GeneDx Variant Classification Process June 2021. Collection method: clinical testing. Allele origin: germline. Affected: yes.
Comment: Published functional studies demonstrate a dominant negative effect on cGMP production (PMID: 24001744); Identified in a patient with short stature in published literature (PMID: 24001744); In silico analysis supports that this missense variant has a deleterious effect on protein structure/function; This variant is associated with the following publications: (PMID: 24001744, 26075495, 33713577)

Blueprint Genetics
Classification: Uncertain significance. Last evaluated: 2023-09-15. Review status: criteria provided, single submitter. Criteria: ACMG Guidelines, 2015. Collection method: clinical testing. Allele origin: germline.

OMIM
Classification: Pathogenic for SHORT STATURE WITH NONSPECIFIC SKELETAL ABNORMALITIES 1. Last evaluated: 2013-10-01. Review status: no assertion criteria provided. Collection method: literature only. Allele origin: germline. Not counted in ClinVar's aggregate classification.

Literature cited by the submitters: PubMed 24001744 (cited by 4 submitters); PubMed 26075495 (cited by Ambry Genetics and Labcorp Genetics (formerly Invitae), Labcorp); PubMed 33713577 (cited by Ambry Genetics and Labcorp Genetics (formerly Invitae), Labcorp).